The following is an entry in ClinVar:

NM_014908.4(DOLK):c.446G>A (p.Gly149Asp)

Gene: DOLK (dolichol kinase; minus strand). Cytogenetic location: 9q34.11.
Variant type: single nucleotide variant.
Coding change: c.446G>A on transcript NM_014908.4 (MANE Select); coding-DNA position 446, G replaced by A.
Protein change: p.Gly149Asp; replaces glycine 149 with aspartic acid.
Molecular consequence: missense variant.
Genome position (GRCh38, 1-based): chr9:128,946,858, C>T on the plus strand (G>A on the coding strand, the complement: DOLK is on the minus strand). VCF-style: chr9-128946858-C-T. GRCh37 (hg19) VCF-style: chr9-131709137-C-T.
Other names: short protein forms G149D.
Identifiers: ClinVar variation 2114794 (VCV002114794.4), dbSNP rs777377897, ClinGen allele CA375125543.

ClinVar aggregate classification (germline): Uncertain significance (1 of 4 stars; one submission).

Conditions:
DK1-congenital disorder of glycosylation. Also called: CONGENITAL DISORDER OF GLYCOSYLATION, TYPE Im; DK1-CDG; DOLK-congenital disorder of glycosylation; Carbohydrate deficient glycoprotein syndrome type 1m; CDG Im; DK1 DEFICIENCY. Identifiers: Orphanet 91131, MedGen C1835849, MONDO:0012556, OMIM 610768.

Submission:

Labcorp Genetics (formerly Invitae), Labcorp
Classification: Uncertain significance for DK1-congenital disorder of glycosylation. Last evaluated: 2022-03-20. Review status: criteria provided, single submitter. Criteria: Invitae Variant Classification Sherloc (09022015). Collection method: clinical testing. Allele origin: germline.
Comment: In summary, the available evidence is currently insufficient to determine the role of this variant in disease. Therefore, it has been classified as a Variant of Uncertain Significance. Algorithms developed to predict the effect of missense changes on protein structure and function (SIFT, PolyPhen-2, Align-GVGD) all suggest that this variant is likely to be tolerated. This variant has not been reported in the literature in individuals affected with DOLK-related conditions. This variant is not present in population databases (gnomAD no frequency). This sequence change replaces glycine, which is neutral and non-polar, with aspartic acid, which is acidic and polar, at codon 149 of the DOLK protein (p.Gly149Asp).